The following is an entry in ClinVar:

ClinVar aggregate classification (germline): Pathogenic/Likely pathogenic. Review status: criteria provided, multiple submitters, no conflicts (2 of 4 stars). 9 submissions from 9 submitters: Pathogenic (5); Likely pathogenic (3). 1 of the submissions does not count toward it. Last evaluated 2024-09-21.

Conditions:
KIF1A-related disorder. Also called: KIF1A-related disorders; KIF1A-related condition.
PEHO syndrome (PEHO). Also called: PROGRESSIVE ENCEPHALOPATHY WITH EDEMA, HYPSARRHYTHMIA, AND OPTIC ATROPHY. Identifiers: Orphanet 2836, Orphanet 99807, MedGen C1850055, MONDO:0009841, OMIM 260565.
Intellectual disability, autosomal dominant 9 (NESCAVS). Also called: NESCAV SYNDROME; KIF1A-Related Neurodevelopmental Disorder. Identifiers: Orphanet 662367, MedGen C5393830, MONDO:0013656, OMIM 614255.

Allele frequency attached by ClinVar (database versions not stated): TOPMed below 0.00001.

Submissions (9):

Victorian Clinical Genetics Services, Murdoch Childrens Research Institute
Classification: Pathogenic for Intellectual disability, autosomal dominant 9. Last evaluated: 2024-09-21. Review status: criteria provided, single submitter. Criteria: ACMG Guidelines, 2015. Collection method: clinical testing. Allele origin: germline. Inheritance: Autosomal dominant inheritance. Affected: yes.
Comment: Based on the classification scheme VCGS_Germline_v1.3.4, this variant is classified as Pathogenic. Following criteria are met: 0103 - Dominant negative, loss of function and gain of function are known mechanisms of disease in this gene. Dominant negative effect has been shown to cause NESCAV syndrome (MIM#614255; OMIM). Both loss and gain of function mechanisms have been reported for variants causing spastic paraplegia (MIM#610357, MIM#610357) and hereditary sensory and autonomic neuropathy type 2 (HSAN2; MIM#614213) (PMID: 31488895, 31455732). (I) 0108 - This gene is known to be associated with both recessive and dominant disease. Genotype-phenotype correlation is currently unestablished. Missense variants tend to cluster within the kinesin motor domain and have been reported for both SPG30 and NESCAV syndrome. Only the correlation for HSAN2 (MIM#614213) is established with all patients except for one, carrying null variants outside the motor domain (PMID: 32737135). (I) 0200 - Variant is predicted to result in a missense amino acid change from arginine to histidine. (I) 0251 - This variant is heterozygous. (I) 0301 - Variant is absent from gnomAD (both v2 and v3). (SP) 0501 - Missense variant consistently predicted to be damaging by multiple in silico tools or highly conserved with a major amino acid change. (SP) 0602 - Variant is located in a hotspot region or cluster of pathogenic variants. This variant is located in the kinesin motor domain which is a hotspot in KIF1A (DECIPHER, OMIM). (SP) 0701 - Other missense variants comparable to the one identified in this case have very strong previous evidence for pathogenicity. Two alternative amino acid changes, p.(Arg216Pro) and p.(Arg216Cys) have been reported as pathogenic in more than ten individuals, including two heterozygous de novo patients with KIF1A-related features (ClinVar, PMIDs: 25265257, 26125038). (SP) 0801 - This variant has strong previous evidence of pathogenicity in unrelated individuals. This variant has been reported at least six times as likely pathogenic/pathogenic, with three reports of de novo inheritance in heterozygous individuals with KIF1A-related features (ClinVar, PMIDs: 27848944, 26125038). (SP) Legend: (SP) - Supporting pathogenic, (I) - Information, (SB) - Supporting benign

GeneDx
Classification: Pathogenic. Last evaluated: 2022-05-16. Review status: criteria provided, single submitter. Criteria: GeneDx Variant Classification Process June 2021. Collection method: clinical testing. Allele origin: germline. Affected: yes.
Comment: Not observed at significant frequency in large population cohorts (gnomAD); In silico analysis supports that this missense variant has a deleterious effect on protein structure/function; This variant is associated with the following publications: (PMID: 28332297, 26486474, 29691679, 26125038, 30862385, 31785789, 33880452, 21820098, 21376300)

Blueprint Genetics
Classification: Pathogenic for KIF1A-related disorders. Last evaluated: 2022-02-01. Review status: criteria provided, single submitter. Criteria: ACMG Guidelines, 2015. Collection method: clinical testing. Allele origin: germline. Affected: yes. Observed: 1 variant allele.

Institute of Medical Genetics and Applied Genomics, University Hospital Tübingen
Classification: Pathogenic. Last evaluated: 2020-10-23. Review status: criteria provided, single submitter. Criteria: ACMG Guidelines, 2015. Collection method: clinical testing. Allele origin: germline. Inheritance: Unknown mechanism. Affected: yes.

Revvity Omics, Revvity
Classification: Likely pathogenic. Last evaluated: 2020-09-10. Review status: criteria provided, single submitter. Criteria: ACMG Guidelines, 2015. Collection method: clinical testing. Allele origin: germline.

SIB Swiss Institute of Bioinformatics
Classification: Likely pathogenic for Intellectual disability, autosomal dominant 9. Last evaluated: 2020-06-15. Review status: criteria provided, single submitter. Criteria: ACMG Guidelines, 2015. Collection method: curation. Allele origin: unknown.
Comment: This variant is interpreted as likely pathogenic for NESCAV syndrome, autosomal dominant. The following ACMG Tag(s) were applied: Absent from controls (or at extremely low frequency if recessive) in Exome Sequencing Project, 1000 Genomes Project, or Exome Aggregation Consortium (PM2); Multiple lines of computational evidence support a deleterious effect on the gene or gene product (PP3); Missense variant in a gene that has a low rate of benign missense variation and in which missense variants are a common mechanism of disease (PP2); Novel missense change at an amino acid residue where a different missense change determined to be pathogenic has been seen before (PM5).

CeGaT Center for Human Genetics Tuebingen
Classification: Likely pathogenic. Last evaluated: 2017-06-01. Review status: criteria provided, single submitter. Criteria: CeGaT Center For Human Genetics Tuebingen Variant Classification Criteria Version 2. Collection method: clinical testing. Allele origin: germline. Affected: yes. Observed: 1 variant allele.

Child and Family Research Institute
Classification: Pathogenic for PEHO syndrome. Last evaluated: 2015-08-07. Review status: criteria provided, single submitter. Criteria: ACMG Guidelines, 2015. Collection method: literature only. Allele origin: de novo. Affected: yes. Observed: 1 variant allele.

OMIM
Classification: Pathogenic for NESCAV SYNDROME. Last evaluated: 2026-08-07. Review status: no assertion criteria provided. Collection method: literature only. Allele origin: germline. Not counted in ClinVar's aggregate classification.

Literature cited by the submitters: PubMed 25265257 (cited by Victorian Clinical Genetics Services, Murdoch Childrens Research Institute); PubMed 26125038 (cited by 3 submitters); PubMed 27848944 (cited by Victorian Clinical Genetics Services, Murdoch Childrens Research Institute); PubMed 31455732 (cited by Victorian Clinical Genetics Services, Murdoch Childrens Research Institute); PubMed 31488895 (cited by Victorian Clinical Genetics Services, Murdoch Childrens Research Institute); PubMed 32737135 (cited by Victorian Clinical Genetics Services, Murdoch Childrens Research Institute); PubMed 26486474 (cited by Child and Family Research Institute); Esmaeeli Nieh, S., Madou, M. R. Z., Sirajuddin, M., Fregeau, B., McKnight, D., Lexa, K., Strober, J., Spaeth, C., Hallinan, B. E., Smaoui, N., Pappas, J. G., Burrow, T. A., McDonald, M. T., Latibashvili, M., Leshinsky-Silver, E., Lev, D., Blumkin, L., Vale, R. D., Barkovich, A. J., Sherr, E. H. De novo mutations in KIF1A cause progressive encephalopathy and brain atrophy. Ann. Clin. Transl. Neurol. 2: 623-635, 2015. (cited by OMIM).

NM_001244008.2(KIF1A):c.647G>A (p.Arg216His)

Gene: KIF1A (kinesin family member 1A; minus strand). Cytogenetic location: 2q37.3.
Variant type: single nucleotide variant.
Coding change: c.647G>A on transcript NM_001244008.2 (MANE Select); coding-DNA position 647, G replaced by A.
Protein change: p.Arg216His; replaces arginine 216 with histidine.
Molecular consequence: missense variant.
Genome position (GRCh38, 1-based): chr2:240,785,062, C>T on the plus strand (G>A on the coding strand, the complement: KIF1A is on the minus strand). VCF-style: chr2-240785062-C-T. GRCh37 (hg19) VCF-style: chr2-241724479-C-T.
Other names: c.647G>A, p.Arg216His (NM_001320705.2, NM_001330289.2, NM_001330290.2 and 20 more transcripts); c.647G>A (NM_004321.6); short protein forms R216H.
Identifiers: ClinVar variation 208161 (VCV000208161.57), dbSNP rs672601368, ClinGen allele CA204977.